The following is an entry in ClinVar:

NM_003072.5(SMARCA4):c.4887T>C (p.Asp1629=)

Gene: SMARCA4 (SWI/SNF related BAF chromatin remodeling complex subunit ATPase 4; plus strand). Cytogenetic location: 19p13.2.
Variant type: single nucleotide variant.
Coding change: c.4887T>C on transcript NM_003072.5 (MANE Select); coding-DNA position 4887, T replaced by C.
Protein change: p.Asp1629=; no amino-acid change (aspartic acid 1629 retained).
Molecular consequence: synonymous variant. On other transcripts: non-coding transcript variant (1).
Genome position (GRCh38, 1-based): chr19:11,060,163, T>C. VCF-style: chr19-11060163-T-C. GRCh37 (hg19) VCF-style: chr19-11170839-T-C.
Other names: p.Asp1661=; c.4887T>C, p.Asp1629= (NM_001128844.3); c.4797T>C, p.Asp1599= (NM_001128845.2); c.4794T>C, p.Asp1598= (NM_001128846.2); c.4788T>C, p.Asp1596= (NM_001128847.4, NM_001374457.1); c.4785T>C, p.Asp1595= (NM_001128848.2); c.4983T>C, p.Asp1661= (NM_001128849.3, NM_001387283.1); c.4983T>C (NM_001128849.2).
Identifiers: ClinVar variation 126365 (VCV000126365.32), dbSNP rs7275, ClinGen allele CA151121.
Genomic context (GRCh38, chr19:11,060,163, plus strand): 5'-GAAGGGCGGCCGGCGGCGGCCGAGCCGAGGGTCCCGAGCCAAGCCGGTCGTGAGTGACGA[T>C]GACAGTGAGGAGGAACAAGAGGAGGTGAGGCCGGGCCCCCGAGCAGGCAGAGCTGGCATG-3'
Protein context (NP_003063.2, residues 1619-1639): GSRAKPVVSD[Asp1629=]DSEEEQEEDR

ClinVar aggregate classification (germline): Benign. Review status: criteria provided, multiple submitters, no conflicts (2 of 4 stars). 13 submissions from 13 submitters: Benign (11). 2 of the submissions do not count toward it. Last evaluated 2026-07-27.

Conditions:
Coffin-Siris syndrome. Identifiers: Orphanet 1465, MedGen C0265338, MONDO:0015452.
Hereditary cancer-predisposing syndrome. Also called: Neoplastic Syndromes, Hereditary; Tumor predisposition; Hereditary neoplastic syndrome; Hereditary Cancer Syndrome. Identifiers: Orphanet 140162, MedGen C0027672, MeSH D009386, MONDO:0015356.
Intellectual disability, autosomal dominant 16 (CSS4). Also called: COFFIN-SIRIS SYNDROME 4. Identifiers: Orphanet 1465, MedGen C3553249, MONDO:0013821, OMIM 614609.
Rhabdoid tumor predisposition syndrome 2 (RTPS2). Identifiers: Orphanet 231108, Orphanet 69077, MedGen C2750074, MONDO:0013224, OMIM 613325.

Allele frequency attached by ClinVar (database versions not stated): 1000 Genomes Project 30x 0.25640; TOPMed 0.27859; gnomAD 0.28117 and 0.28266; gnomAD exomes 0.29774 and 0.26146; ExAC 0.30903; 1000 Genomes Project 0.24980; ESP Exome Variant Server 0.25954.
gnomAD v4.1: 458,967 of 1,551,084 alleles (30%); highest among the groups gnomAD compares: South Asian, 35%; 69,913 homozygotes.

Submissions (13):

Myriad Genetics, Inc.
Classification: Benign for Rhabdoid tumor predisposition syndrome 2. Last evaluated: 2026-07-27. Review status: criteria provided, single submitter. Criteria: Myriad Autosomal Dominant, Autosomal Recessive and X-Linked Classification Criteria (2023). Collection method: clinical testing. Allele origin: unknown.
Comment: This variant is considered benign. This variant is a silent/synonymous amino acid change and it is not expected to impact splicing.

Labcorp Genetics (formerly Invitae), Labcorp
Classification: Benign for Rhabdoid tumor predisposition syndrome 2. Last evaluated: 2026-02-04. Review status: criteria provided, single submitter. Criteria: Invitae Variant Classification Sherloc (09022015). Collection method: clinical testing. Allele origin: germline.

Blueprint Genetics
Classification: Benign. Last evaluated: 2024-11-28. Review status: criteria provided, single submitter. Criteria: ACMG Guidelines, 2015. Collection method: clinical testing. Allele origin: germline.

Mayo Clinic Laboratories, Mayo Clinic
Classification: Benign. Last evaluated: 2022-03-10. Review status: criteria provided, single submitter. Criteria: ACMG Guidelines, 2015. Collection method: clinical testing. Allele origin: germline. Observed: 157 variant alleles.

Genome-Nilou Lab
Classification: Benign for Intellectual disability, autosomal dominant 16. Last evaluated: 2021-07-15. Review status: criteria provided, single submitter. Criteria: ACMG Guidelines, 2015. Collection method: clinical testing. Allele origin: germline. Affected: no.

Illumina Laboratory Services, Illumina
Classification: Benign for Coffin-Siris syndrome. Last evaluated: 2018-01-13. Review status: criteria provided, single submitter. Criteria: ICSL Variant Classification Criteria 13 December 2019. Collection method: clinical testing. Allele origin: germline.
Comment: This variant was observed in the ICSL laboratory as part of a predisposition screen in an ostensibly healthy population. It had not been previously curated by ICSL or reported in the Human Gene Mutation Database (HGMD: prior to June 1st, 2018), and was therefore a candidate for classification through an automated scoring system. Utilizing variant allele frequency, disease prevalence and penetrance estimates, and inheritance mode, an automated score was calculated to assess if this variant is too frequent to cause the disease. Based on the score and internal cut-off values, a variant classified as benign is not then subjected to further curation. The score for this variant resulted in a classification of benign for this disease.

GeneDx
Classification: Benign. Last evaluated: 2015-11-24. Review status: criteria provided, single submitter. Criteria: GeneDx Variant Classification (06012015). Collection method: clinical testing. Allele origin: germline. Affected: yes.
Comment: This variant is considered likely benign or benign based on one or more of the following criteria: it is a conservative change, it occurs at a poorly conserved position in the protein, it is predicted to be benign by multiple in silico algorithms, and/or has population frequency not consistent with disease.

Ambry Genetics
Classification: Benign for Hereditary cancer-predisposing syndrome. Last evaluated: 2015-05-19. Review status: criteria provided, single submitter. Criteria: Ambry Variant Classification Scheme 2023. Collection method: clinical testing. Allele origin: germline.

Genetic Services Laboratory, University of Chicago
Classification: Benign for AllHighlyPenetrant. Last evaluated: 2013-08-15. Review status: criteria provided, single submitter. Criteria: ACMG Guidelines, 2007. Collection method: clinical testing. Allele origin: germline. Inheritance: Autosomal dominant inheritance. Observed: 57 variant alleles.

Breakthrough Genomics
Classification: Benign. Review status: criteria provided, single submitter. Criteria: ACMG Guidelines, 2015. Collection method: not provided. Allele origin: germline. Inheritance: Autosomal dominant inheritance. Affected: yes.

PreventionGenetics, part of Exact Sciences
Classification: Benign. Review status: criteria provided, single submitter. Criteria: ACMG Guidelines, 2015. Collection method: clinical testing. Allele origin: germline.

Diagnostic Laboratory, Department of Genetics, University Medical Center Groningen
Classification: Benign. Review status: no assertion criteria provided. Collection method: clinical testing. Allele origin: germline. Affected: yes. Study: VKGL Data-share Consensus. Not counted in ClinVar's aggregate classification.

Joint Genome Diagnostic Labs from Nijmegen and Maastricht, Radboudumc and MUMC+
Classification: Benign. Review status: no assertion criteria provided. Collection method: clinical testing. Allele origin: germline. Affected: yes. Study: VKGL Data-share Consensus. Not counted in ClinVar's aggregate classification.